The following is an entry in ClinVar:

ClinVar aggregate classification (germline): Uncertain significance (1 of 4 stars; one submission).

Conditions:
Epileptic encephalopathy. Identifiers: MedGen C0543888, HP:0200134.

Submission:

Labcorp Genetics (formerly Invitae), Labcorp
Classification: Uncertain significance for Epileptic encephalopathy. Last evaluated: 2019-09-28. Review status: criteria provided, single submitter. Criteria: Invitae Variant Classification Sherloc (09022015). Collection method: clinical testing. Allele origin: germline.
Comment: This variant is not present in population databases (ExAC no frequency). This variant occurs in a non-coding region of the RYR3 gene. It does not change the encoded amino acid sequence of the RYR3 protein. This variant has not been reported in the literature in individuals with RYR3-related conditions. In summary, the available evidence is currently insufficient to determine the role of this variant in disease. Therefore, it has been classified as a Variant of Uncertain Significance. Algorithms developed to predict the effect of sequence changes on RNA splicing suggest that this variant may create or strengthen a splice site, but this prediction has not been confirmed by published transcriptional studies.

NM_001036.6(RYR3):c.14595_*9dup (p.Tyr4865_Ter4871=)

Genes: AVEN (apoptosis and caspase activation inhibitor; minus strand), RYR3 (ryanodine receptor 3; plus strand). Cytogenetic location: 15q14.
Variant type: Duplication.
Coding change: c.14595_*9dup on transcript NM_001036.6 (MANE Select); coding-DNA position 14595 through 9 bases downstream of the stop codon, 28 bases duplicated (TGAAGATCAGCTTGGATAAATCTGAATC).
Protein change: p.Tyr4865_Ter4871=.
Molecular consequence: no sequence alteration.
Genome position (GRCh38, 1-based): chr15:33,865,208-33,865,235, TGAAGATCAGCTTGGATAAATCTGAATC duplicated. VCF-style (leftmost placement, unchanged base first): chr15-33865207-A-ATGAAGATCAGCTTGGATAAATCTGAATC. GRCh37 (hg19) VCF-style: chr15-34157408-A-ATGAAGATCAGCTTGGATAAATCTGAATC.
Other names: c.14580_*9dup, p.Tyr4860_Ter4866= (NM_001243996.4).
Identifiers: ClinVar variation 937014 (VCV000937014.10), dbSNP rs1890080876, ClinGen allele CA1139663810.